The following is an entry in ClinVar:

ClinVar aggregate classification (germline): Likely pathogenic. Review status: reviewed by expert panel (3 of 4 stars). 20 submissions from 20 submitters: Likely pathogenic (1). 19 of the submissions do not count toward it. Last evaluated 2021-11-30.

Conditions:
Myopathy, myosin storage, autosomal recessive (CMYO7B). Also called: CONGENITAL MYOPATHY 7B, MYOSIN STORAGE, AUTOSOMAL RECESSIVE. Identifiers: Orphanet 636970, MedGen C1850709, MONDO:0009708, OMIM 255160.
Dilated cardiomyopathy 1S (CMD1S). Identifiers: Orphanet 154, Orphanet 54260, MedGen C1834481, MONDO:0013262, OMIM 613426.
MYH7-related skeletal myopathy. Also called: Laing distal myopathy; Laing early-onset distal myopathy; MYOPATHY, DISTAL, EARLY-ONSET, AUTOSOMAL DOMINANT; MYOPATHY, LATE DISTAL HEREDITARY; Myopathy, distal, 1. Identifiers: Orphanet 59135, MedGen C4552004, MONDO:0008050, OMIM 160500.
Hypertrophic cardiomyopathy 1 (CMH1). Also called: Familial hypertrophic cardiomyopathy 1; MYH7-Related Familial Hypertrophic Cardiomyopathy. Identifiers: MedGen C3495498, MONDO:0008647, OMIM 192600.
Myosin storage myopathy (CMYO7A). Also called: SCAPULOPERONEAL MUSCULAR DYSTROPHY; SCAPULOPERONEAL SYNDROME, MYOPATHIC TYPE; MYOPATHY, HYALINE BODY, AUTOSOMAL DOMINANT; Scapuloperoneal myopathy, MYH7-related; MYH7-related late-onset scapuloperoneal muscular dystrophy; Congenital myopathy 7A, myosin storage, autosomal dominant. Identifiers: Orphanet 437572, Orphanet 636965, MedGen C1842160, MONDO:0008409, OMIM 608358.
Congenital myopathy with fiber type disproportion. Also called: Congenital fiber-type disproportion myopathy; Congenital fiber-type disproportion. Identifiers: Orphanet 2020, MedGen C0546264, MONDO:0009711. Inheritance: all.
MYH7-related disorder. Also called: MYH7-related disorders; MYH7-related condition; MYH7-related disease.
Cardiovascular phenotype. Identifiers: MedGen CN230736.
Cardiomyopathy (CMYO). Also called: Cardiomyopathies. Identifiers: Orphanet 167848, MedGen C0878544, MONDO:0004994, HP:0001638. Inheritance: Various modes of inheritance.
Primary familial hypertrophic cardiomyopathy (HCM). Identifiers: Orphanet 99739, MedGen C0949658, MeSH D024741, MONDO:0024573. Inheritance: Various modes of inheritance.
Hypertrophic cardiomyopathy. Also called: HYPERTROPHIC MYOCARDIOPATHY. Identifiers: Orphanet 217569, MedGen C0007194, MeSH D002312, MONDO:0005045, HP:0001639.

Allele frequency attached by ClinVar (database versions not stated): gnomAD below 0.00001 and 0.00001; ExAC 0.00001; gnomAD exomes 0.00002; ESP Exome Variant Server 0.00008.

Submissions 1 to 6 of 20:

ClinGen Cardiomyopathy Variant Curation Expert Panel
Classification: Likely pathogenic for Hypertrophic cardiomyopathy. Last evaluated: 2021-11-30. Review status: reviewed by expert panel. Criteria: ClinGen CMP ACMG Specifications v1. Collection method: curation. Allele origin: germline. Inheritance: Autosomal dominant inheritance.
Comment: The NM_000257.4(MYH7):c.2608C>T (p.Arg870Cys) variant has been reported in >15 individuals with HCM (PS4; Anan 2000 PMID:10862102; Woo 2003 PMID:12975413; Uchiyama 2009 PMID:19149795; Funada 2010 PMID:20975235; Otsuka 2012 PMID:22112859; Fujita 2013 PMID: 24621997; Wang 2014 PMID:25132132; Mademont-Soler 2017 PMID:28771489; Hayashi 2018 PMID:29907873; Mak 2018 PMID:30022097; Inagaki 2018 PMID:30206291; GeneDx pers. comm.; LMM pers. comm.; OMGL pers. comm.). This variant segregated with disease in 2 affected individual with HCM from 2 families (Otsuka 2011 PMID 22112859; LMM pers. comm.); however, this data is currently insufficient to establish co-segregation with disease and apply PP1. This variant was identified in 0.0007% (FAF 95% CI; 3/113730) of European chromosomes in gnomAD v2.1.1 (PM2). This variant lies in the head region of the protein (aa 181-937) and missense variants in this region are statistically more likely to be associated with HCM (Walsh 2017 PMID:27532257). Additionally, a different pathogenic missense variant has been previously identified at this codon which indicates that this residue may be critical to the function of the protein (PM5; NM_000257.4(MYH7):c.2609G>A (p.Arg870His) - Variation ID 14120). Computational prediction tools and conservation analysis suggest that this variant may impact the protein (PP3). In summary, this variant meets criteria to be classified as likely pathogenic for hypertrophic cardiomyopathy in an autosomal dominant manner. MYH7-specific ACMG/AMP criteria applied (Kelly 2018 PMID:29300372): PS4, PM2, PM5, PP3.

GeneDx
Classification: Likely pathogenic. Last evaluated: 2026-10-22. Review status: criteria provided, single submitter. Criteria: GeneDx Variant Classification Process June 2021. Collection method: clinical testing. Allele origin: germline. Not counted in ClinVar's aggregate classification.
Comment: In silico analysis supports that this missense variant has a deleterious effect on protein structure/function; This variant is associated with the following publications: (PMID: 23447461, 27532257, 30022097, 39843441, 23299917, 25637381, 25892673, 10862102, 12975413, 27247418, 20075948, 20975235, 25611685, 29300372, 30217213, 32286303, 31447099, 32492895, 33407484, 33087929, 34542152, 34057638, 35456187, 29907873, 22112859, 34428338, 36618848, 30206291, 24621997, Kawano2021[CaseReport], 36005429, 28771489, 25132132, 37652022, 36264615, 39020067, 39237976, 37728764, 39033325, 33495596, 41676922, 42749640, 33495597)

Ambry Genetics
Classification: Likely pathogenic for Cardiovascular phenotype. Last evaluated: 2026-06-11. Review status: criteria provided, single submitter. Criteria: Ambry Variant Classification Scheme 2023. Collection method: clinical testing. Allele origin: germline. Not counted in ClinVar's aggregate classification.
Comment: The c.2608C>T (p.R870C) alteration is located in exon 22 (coding exon 20) of the MYH7 gene. This alteration results from a C to T substitution at nucleotide position 2608, causing the arginine (R) at amino acid position 870 to be replaced by a cysteine (C). Based on data from gnomAD, the T allele has an overall frequency of 0.002% (6/251444) total alleles studied. The highest observed frequency was 0.01% (1/10078) of Ashkenazi Jewish alleles. This variant has been detected in several unrelated probands reported to have hypertrophic cardiomyopathy (HCM) (Anan, 2000; Woo, 2003; Otsuka, 2012; Homburger, 2016; Walsh, 2017; Mak, 2018; Hayashi, 2018; Kim, 2020). A different variant affecting this codon (p.R870H, c.2609G>A) has also been reported in association with HCM (Homburger, 2016). This amino acid position is well conserved in available vertebrate species. This alteration is located in the myosin head domain, which contains a statistically significant clustering of pathogenic missense variants (Homburger, 2016; Walsh, 2017; Ambry internal data). This alteration is predicted to be deleterious by in silico analysis. Based on the available evidence, this alteration is classified as likely pathogenic.

CeGaT Center for Human Genetics Tuebingen
Classification: Likely pathogenic. Last evaluated: 2026-04-01. Review status: criteria provided, single submitter. Criteria: CeGaT Center For Human Genetics Tuebingen Variant Classification Criteria Version 2. Collection method: clinical testing. Allele origin: germline. Affected: yes. Observed: 1 variant allele. Not counted in ClinVar's aggregate classification.
Comment: MYH7: PM1, PM5, PS4:Moderate, PM2:Supporting, PP3

3billion
Classification: Likely pathogenic for Hypertrophic cardiomyopathy 1. Last evaluated: 2026-01-21. Review status: criteria provided, single submitter. Criteria: ACMG Guidelines, 2015. Collection method: clinical testing. Allele origin: germline. Affected: yes. Not counted in ClinVar's aggregate classification.
Comment: The variant is observed at an extremely low frequency in the gnomAD v4.1.0 dataset (total allele frequency: 0.002%). Predicted Consequence/Location: The variant is located in a mutational hot spot and/or well-established functional domain in which established pathogenic variants have been reported (PMID: 29300372). In silico tool predictions suggest damaging effect of the variant on gene or gene product [REVEL: 0.80 (>=0.6, sensitivity 0.68 and specificity 0.92); 3Cnet: 0.99 (> 0.75, sensitivity 0.96 and precision 0.92)]. The same nucleotide change resulting in the same amino acid change has been previously reported as pathogenic/likely pathogenic with strong evidence (ClinVar ID: VCV000161326 /PMID: 10862102 /3billion dataset). The variant has been observed in multiple (>3) similarly affected unrelated individuals (PMID: 10862102, 12975413, 24621997). Different missense changes at the same codon (p.Arg870His, p.Arg870Leu, p.Arg870Pro) have been reported as pathogenic/likely pathogenic with strong evidence (ClinVar ID: VCV000014120, VCV000235031, VCV001466720 /PMID: 25132132, 8541871). Therefore, this variant is classified as Likely pathogenic according to the recommendation of ACMG/AMP guideline.

Labcorp Genetics (formerly Invitae), Labcorp
Classification: Pathogenic for Hypertrophic cardiomyopathy. Last evaluated: 2026-01-04. Review status: criteria provided, single submitter. Criteria: Invitae Variant Classification Sherloc (09022015). Collection method: clinical testing. Allele origin: germline. Not counted in ClinVar's aggregate classification.
Comment: This sequence change replaces arginine, which is basic and polar, with cysteine, which is neutral and slightly polar, at codon 870 of the MYH7 protein (p.Arg870Cys). This variant is present in population databases (rs138049878, gnomAD 0.01%). This missense change has been observed in individuals with hypertrophic cardiomyopathy (PMID: 10862102, 12975413, 20975235, 22112859, 25132132, 27532257, 28771489, 30022097, 30206291). ClinVar contains an entry for this variant (Variation ID: 161326). Invitae Evidence Modeling of protein sequence and biophysical properties (such as structural, functional, and spatial information, amino acid conservation, physicochemical variation, residue mobility, and thermodynamic stability) indicates that this missense variant is expected to disrupt MYH7 protein function with a positive predictive value of 95%. This variant disrupts the p.Arg870 amino acid residue in MYH7. Other variant(s) that disrupt this residue have been determined to be pathogenic (PMID: 7796500, 9172070, 12974739, 17192269, 17703256). This suggests that this residue is clinically significant, and that variants that disrupt this residue are likely to be disease-causing. For these reasons, this variant has been classified as Pathogenic.

NM_000257.4(MYH7):c.2608C>T (p.Arg870Cys)

Genes: MYH7 (myosin heavy chain 7; minus strand), LOC126861898 (BRD4-independent group 4 enhancer GRCh37_chr14:23893609-23894808; plus strand). Cytogenetic location: 14q11.2.
Variant type: single nucleotide variant.
Coding change: c.2608C>T on transcript NM_000257.4 (MANE Select); coding-DNA position 2608, C replaced by T.
Protein change: p.Arg870Cys; replaces arginine 870 with cysteine.
Molecular consequence: missense variant.
Genome position (GRCh38, 1-based): chr14:23,424,840, G>A on the plus strand (C>T on the coding strand, the complement: MYH7 is on the minus strand). VCF-style: chr14-23424840-G-A. GRCh37 (hg19) VCF-style: chr14-23894049-G-A.
Other names: p.R870C:CGC>TGC; NM_000257.3(MYH7):c.2608C>T; NM_000257.4(MYH7):c.2608C>T; c.2608C>T (LRG_384t1); short protein forms R870C.
Identifiers: ClinVar variation 161326 (VCV000161326.48), dbSNP rs138049878, ClinGen allele CA012732.